The following is an entry in ClinVar:

NM_006206.6(PDGFRA):c.638A>G (p.Glu213Gly)

Gene: PDGFRA (platelet derived growth factor receptor alpha; plus strand). Cytogenetic location: 4q12.
Variant type: single nucleotide variant.
Coding change: c.638A>G on transcript NM_006206.6 (MANE Select); coding-DNA position 638, A replaced by G.
Protein change: p.Glu213Gly; replaces glutamic acid 213 with glycine.
Molecular consequence: missense variant.
Genome position (GRCh38, 1-based): chr4:54,264,928, A>G. VCF-style: chr4-54264928-A-G. GRCh37 (hg19) VCF-style: chr4-55131095-A-G.
Other names: c.638A>G, p.Glu213Gly (NM_001347827.2, NM_001347829.2); c.713A>G, p.Glu238Gly (NM_001347828.2); c.677A>G, p.Glu226Gly (NM_001347830.2); short protein forms E213G, E226G, E238G.
Identifiers: ClinVar variation 565619 (VCV000565619.7), dbSNP rs1461389031, ClinGen allele CA356890687.
Genomic context (GRCh38, chr4:54,264,928, plus strand): 5'-TCCTGGCTATCCTGTGGATTTTTAGGCCCTTGTATTTGTTCTTTTTTATAGCAACATCAG[A>G]GCTGGATCTAGAAATGGAAGCTCTTAAAACCGTGTATAAGTCAGGGGAAACGATTGTGGT-3'
Protein context (NP_006197.1, residues 203-223): FNVYALKATS[Glu213Gly]LDLEMEALKT

ClinVar aggregate classification (germline): Uncertain significance (1 of 4 stars; one submission).

Conditions:
Gastrointestinal stromal tumor. Also called: Gastrointestinal stromal tumor, somatic; Gastrointestinal stroma tumor. Identifiers: Orphanet 44890, MedGen C0238198, MeSH D046152, MONDO:0011719, OMIM 606764, HP:0100723.

Submission:

Labcorp Genetics (formerly Invitae), Labcorp
Classification: Uncertain significance for Gastrointestinal stromal tumor. Last evaluated: 2025-04-07. Review status: criteria provided, single submitter. Criteria: Invitae Variant Classification Sherloc (09022015). Collection method: clinical testing. Allele origin: germline.
Comment: This sequence change replaces glutamic acid, which is acidic and polar, with glycine, which is neutral and non-polar, at codon 213 of the PDGFRA protein (p.Glu213Gly). This variant is not present in population databases (gnomAD no frequency). This variant has not been reported in the literature in individuals affected with PDGFRA-related conditions. ClinVar contains an entry for this variant (Variation ID: 565619). An algorithm developed to predict the effect of missense changes on protein structure and function (PolyPhen-2) suggests that this variant is likely to be tolerated. In summary, the available evidence is currently insufficient to determine the role of this variant in disease. Therefore, it has been classified as a Variant of Uncertain Significance.